The following is an entry in ClinVar:

NM_001035.3(RYR2):c.5750A>G (p.Gln1917Arg)

Gene: RYR2 (ryanodine receptor 2; plus strand). Cytogenetic location: 1q43.
Variant type: single nucleotide variant.
Coding change: c.5750A>G on transcript NM_001035.3 (MANE Select); coding-DNA position 5750, A replaced by G.
Protein change: p.Gln1917Arg; replaces glutamine 1917 with arginine.
Molecular consequence: missense variant.
Genome position (GRCh38, 1-based): chr1:237,617,320, A>G. VCF-style: chr1-237617320-A-G. GRCh37 (hg19) VCF-style: chr1-237780620-A-G.
Other names: c.5750A>G (NM_001035.2); short protein forms Q1917R.
Identifiers: ClinVar variation 922388 (VCV000922388.8), dbSNP rs777782696, ClinGen allele CA086954.

ClinVar aggregate classification (germline): Conflicting classifications of pathogenicity. Review status: criteria provided, conflicting classifications (1 of 4 stars). 4 submissions from 4 submitters: Uncertain significance (3); Likely benign (1). Last evaluated 2026-06-30.

Conditions:
Cardiomyopathy (CMYO). Also called: Cardiomyopathies. Identifiers: Orphanet 167848, MedGen C0878544, MONDO:0004994, HP:0001638. Inheritance: Various modes of inheritance.
Cardiovascular phenotype. Identifiers: MedGen CN230736.
Catecholaminergic polymorphic ventricular tachycardia 1. Also called: VENTRICULAR TACHYCARDIA, CATECHOLAMINERGIC POLYMORPHIC, 1, WITH OR WITHOUT ATRIAL DYSFUNCTION AND/OR DILATED CARDIOMYOPATHY; RYR2-Related Catecholaminergic Polymorphic Ventricular Tachycardia; VENTRICULAR TACHYCARDIA, STRESS-INDUCED POLYMORPHIC 1. Identifiers: Orphanet 3286, MedGen C1631597, MONDO:0011484, OMIM 604772.
Catecholaminergic polymorphic ventricular tachycardia (CVPT). Also called: Catecholamine-induced polymorphic ventricular tachycardia. Identifiers: Orphanet 3286, MedGen C5574922, MONDO:0017990.

Allele frequency attached by ClinVar (database versions not stated): gnomAD exomes below 0.00001 and 0.00001; TOPMed 0.00002; gnomAD 0.00001; ExAC 0.00002.
gnomAD v4.1: 4 of 1,613,528 alleles (0.00025%); highest among the groups gnomAD compares: African/African-American, 0.0053%; no homozygotes.

Submissions (4):

Ambry Genetics
Classification: Uncertain significance for Cardiovascular phenotype. Last evaluated: 2026-06-30. Review status: criteria provided, single submitter. Criteria: Ambry Variant Classification Scheme 2023. Collection method: clinical testing. Allele origin: germline.
Comment: The p.Q1917R variant (also known as c.5750A>G), located in coding exon 38 of the RYR2 gene, results from an A to G substitution at nucleotide position 5750. The glutamine at codon 1917 is replaced by arginine, an amino acid with highly similar properties. This variant was reported in an individual referred for hypertrophic cardiomyopathy (Janin A et al. Mol Diagn Ther, 2021 May;25:373-385). This amino acid position is well conserved in available vertebrate species. In addition, the in silico prediction for this alteration is inconclusive. Based on the available evidence, the clinical significance of this variant remains unclear.

Labcorp Genetics (formerly Invitae), Labcorp
Classification: Likely benign for Catecholaminergic polymorphic ventricular tachycardia 1. Last evaluated: 2026-02-02. Review status: criteria provided, single submitter. Criteria: Invitae Variant Classification Sherloc (09022015). Collection method: clinical testing. Allele origin: germline.

Color Diagnostics, LLC DBA Color Health
Classification: Uncertain significance for Cardiomyopathy. Last evaluated: 2024-03-06. Review status: criteria provided, single submitter. Criteria: ACMG Guidelines, 2015. Collection method: clinical testing. Allele origin: germline.
Comment: This missense variant replaces glutamine with arginine at codon 1917 of the RYR2 protein. Computational prediction suggests that this variant may not impact protein structure and function (internally defined REVEL score threshold <= 0.5, PMID: 27666373). To our knowledge, functional studies have not been reported for this variant. This variant has not been reported in individuals affected with RYR2-related disorders in the literature. This variant has been identified in 2/248114 chromosomes in the general population by the Genome Aggregation Database (gnomAD). The available evidence is insufficient to determine the role of this variant in disease conclusively. Therefore, this variant is classified as a Variant of Uncertain Significance.

All of Us Research Program, National Institutes of Health
Classification: Uncertain significance for Catecholaminergic polymorphic ventricular tachycardia. Last evaluated: 2023-12-01. Review status: criteria provided, single submitter. Criteria: ACMG Guidelines, 2015. Collection method: clinical testing. Allele origin: germline. Inheritance: Autosomal dominant inheritance. Observed: 3 variant alleles, 3 heterozygotes.
Comment: This missense variant replaces glutamine with arginine at codon 1917 of the RYR2 protein. Computational prediction tools and conservation analyses suggest that this variant may have deleterious impact on protein structure and function. Splice site prediction tools suggest that this variant may not impact RNA splicing. To our knowledge, functional studies have not been performed for this variant. This variant has not been reported in individuals affected with cardiovascular disorders in the literature. This variant has been identified in 2/248114 chromosomes in the general population by the Genome Aggregation Database (gnomAD). The available evidence is insufficient to determine the role of this variant in disease conclusively. Therefore, this variant is classified as a Variant of Uncertain Significance.

This study involves interpretation of variants in research participants for the purpose of population health screening. Participant phenotype was not available at the time of variant classification. Additional details can be found in publication PMID: 35346344, PMCID: PMC8962531

Literature cited by the submitters: PubMed 33954932 (cited by Ambry Genetics).